The following is an entry in ClinVar:

NC_000011.10:g.(?_532616)_(795026_?)dup

Genes: CDHR5 (cadherin related family member 5; minus strand), CEND1 (cell cycle exit and neuronal differentiation 1; minus strand), DEAF1 (DEAF1 transcription factor; minus strand), DRD4 (dopamine receptor D4; plus strand), EPS8L2 (EPS8 signaling adaptor L2; plus strand) and 14 more. Cytogenetic location: 11p15.5.
Variant type: Duplication.
Identifiers: ClinVar variation 830507 (VCV000830507.2).

ClinVar aggregate classification (germline): Uncertain significance (1 of 4 stars; one submission).

Conditions:
Developmental and epileptic encephalopathy. Identifiers: MedGen C5779964, MONDO:0100620.

Submission:

Labcorp Genetics (formerly Invitae), Labcorp
Classification: Uncertain significance for Early infantile epileptic encephalopathy with suppression bursts. Last evaluated: 2019-04-27. Review status: criteria provided, single submitter. Criteria: Invitae Variant Classification Sherloc (09022015). Collection method: clinical testing. Allele origin: germline.
Comment: This variant results in a copy number gain of the genomic region encompassing the full coding sequence of the SLC25A22 gene. The boundaries of this event are unknown as they extend beyond the assayed region for this gene and therefore may encompass additional genes. As the precise location of this event is unknown, it may be in tandem or it may be located elsewhere in the genome. This variant has not been reported in the literature in individuals with SLC25A22-related conditions. In summary, the available evidence is currently insufficient to determine the role of this variant in disease. Therefore, it has been classified as a Variant of Uncertain Significance.